The following is an entry in ClinVar:

ClinVar aggregate classification (germline): Uncertain significance. Review status: criteria provided, multiple submitters, no conflicts (2 of 4 stars). 2 submissions from 2 submitters: Uncertain significance (2). Last evaluated 2025-06-08.

Conditions:
Inborn genetic diseases. Identifiers: MedGen C0950123, MeSH D030342.

Allele frequency attached by ClinVar (database versions not stated): TOPMed 0.00003; ExAC 0.00009; gnomAD 0.00001.
gnomAD v4.1: 59 of 1,537,058 alleles (0.0038%); highest among the groups gnomAD compares: Non-Finnish European, 0.0051%; no homozygotes.

Submissions (2):

Ambry Genetics
Classification: Uncertain significance for Inborn genetic diseases. Last evaluated: 2025-06-08. Review status: criteria provided, single submitter. Criteria: Ambry Variant Classification Scheme 2023. Collection method: clinical testing. Allele origin: germline.

Labcorp Genetics (formerly Invitae), Labcorp
Classification: Uncertain significance. Last evaluated: 2022-03-18. Review status: criteria provided, single submitter. Criteria: Invitae Variant Classification Sherloc (09022015). Collection method: clinical testing. Allele origin: germline.
Comment: This sequence change replaces alanine, which is neutral and non-polar, with threonine, which is neutral and polar, at codon 260 of the TYMP protein (p.Ala260Thr). This variant is present in population databases (rs765716244, gnomAD 0.004%). This variant has not been reported in the literature in individuals affected with TYMP-related conditions. Advanced modeling of protein sequence and biophysical properties (such as structural, functional, and spatial information, amino acid conservation, physicochemical variation, residue mobility, and thermodynamic stability) performed at Invitae indicates that this missense variant is not expected to disrupt TYMP protein function. In summary, the available evidence is currently insufficient to determine the role of this variant in disease. Therefore, it has been classified as a Variant of Uncertain Significance.

NM_001953.5(TYMP):c.778G>A (p.Ala260Thr)

Gene: TYMP (thymidine phosphorylase; minus strand). Cytogenetic location: 22q13.33.
Variant type: single nucleotide variant.
Coding change: c.778G>A on transcript NM_001953.5 (MANE Select); coding-DNA position 778, G replaced by A.
Protein change: p.Ala260Thr; replaces alanine 260 with threonine.
Molecular consequence: missense variant.
Genome position (GRCh38, 1-based): chr22:50,526,726, C>T on the plus strand (G>A on the coding strand, the complement: TYMP is on the minus strand). VCF-style: chr22-50526726-C-T. GRCh37 (hg19) VCF-style: chr22-50965155-C-T.
Other names: c.778G>A, p.Ala260Thr (NM_001113755.3, NM_001113756.3, NM_001257988.1 and 1 more transcripts); c.778G>A (NM_001953.3); short protein forms A260T.
Identifiers: ClinVar variation 2057194 (VCV002057194.2), dbSNP rs765716244, ClinGen allele CA10321559.